The following is an entry in ClinVar:

NM_004211.5(SLC6A5):c.2124C>A (p.Tyr708Ter)

Gene: SLC6A5 (solute carrier family 6 member 5; plus strand). Cytogenetic location: 11p15.1.
Variant type: single nucleotide variant.
Coding change: c.2124C>A on transcript NM_004211.5 (MANE Select); coding-DNA position 2124, C replaced by A.
Protein change: p.Tyr708Ter; replaces tyrosine 708 with a stop codon.
Molecular consequence: nonsense.
Genome position (GRCh38, 1-based): chr11:20,652,342, C>A. VCF-style: chr11-20652342-C-A. GRCh37 (hg19) VCF-style: chr11-20673888-C-A.
Other names: c.1422C>A, p.Tyr474Ter (NM_001318369.2); short protein forms Y708*, Y474*.
Identifiers: ClinVar variation 1353821 (VCV001353821.6), dbSNP rs755040627, ClinGen allele CA5921699.

ClinVar aggregate classification (germline): Pathogenic (1 of 4 stars; one submission).

Conditions:
Hyperekplexia 3 (HKPX3). Also called: HYPEREKPLEXIA 3, AUTOSOMAL RECESSIVE; HYPEREKPLEXIA 3, AUTOSOMAL DOMINANT. Identifiers: Orphanet 3197, MedGen C3553288, MONDO:0013827, OMIM 614618.

Allele frequency attached by ClinVar (database versions not stated): gnomAD exomes below 0.00001; ExAC 0.00001.
gnomAD v4.1: 3 of 1,614,130 alleles (0.00019%); highest among the groups gnomAD compares: African/African-American, 0.0013%; no homozygotes.

Submission:

Labcorp Genetics (formerly Invitae), Labcorp
Classification: Pathogenic for Hyperekplexia 3. Last evaluated: 2021-02-17. Review status: criteria provided, single submitter. Criteria: Invitae Variant Classification Sherloc (09022015). Collection method: clinical testing. Allele origin: germline.
Comment: This sequence change creates a premature translational stop signal (p.Tyr708*) in the SLC6A5 gene. It is expected to result in an absent or disrupted protein product. Loss-of-function variants in SLC6A5 are known to be pathogenic (PMID: 14622583, 16751771, 22700964). This variant is present in population databases (rs755040627, ExAC 0.01%). This variant has not been reported in the literature in individuals with SLC6A5-related conditions. For these reasons, this variant has been classified as Pathogenic.

Literature cited by the submitters: PubMed 14622583; PubMed 16751771; PubMed 22700964.